The following is an entry in ClinVar:

NM_001876.4(CPT1A):c.1129G>A (p.Glu377Lys)

Gene: CPT1A (carnitine palmitoyltransferase 1A; minus strand). Cytogenetic location: 11q13.3.
Variant type: single nucleotide variant.
Coding change: c.1129G>A on transcript NM_001876.4 (MANE Select); coding-DNA position 1129, G replaced by A.
Protein change: p.Glu377Lys; replaces glutamic acid 377 with lysine.
Molecular consequence: missense variant.
Genome position (GRCh38, 1-based): chr11:68,784,849, C>T on the plus strand (G>A on the coding strand, the complement: CPT1A is on the minus strand). VCF-style: chr11-68784849-C-T. GRCh37 (hg19) VCF-style: chr11-68552317-C-T.
Other names: c.1129G>A, p.Glu377Lys (NM_001031847.3); short protein forms E377K.
Identifiers: ClinVar variation 1313386 (VCV001313386.3), dbSNP rs1566357386, ClinGen allele CA381632738.

ClinVar aggregate classification (germline): Uncertain significance (1 of 4 stars; one submission).

Submission:

GeneDx
Classification: Uncertain significance. Last evaluated: 2023-10-04. Review status: criteria provided, single submitter. Criteria: GeneDx Variant Classification Process June 2021. Collection method: clinical testing. Allele origin: germline. Affected: yes.
Comment: Has not been previously published as pathogenic or benign to our knowledge; Not observed at significant frequency in large population cohorts (gnomAD); In silico analysis supports that this missense variant has a deleterious effect on protein structure/function